The following is an entry in ClinVar:

NM_138694.4(PKHD1):c.737T>C (p.Ile246Thr)

Gene: PKHD1 (PKHD1 ciliary IPT domain containing fibrocystin/polyductin; minus strand). Cytogenetic location: 6p12.2.
Variant type: single nucleotide variant.
Coding change: c.737T>C on transcript NM_138694.4 (MANE Select); coding-DNA position 737, T replaced by C.
Protein change: p.Ile246Thr; replaces isoleucine 246 with threonine.
Molecular consequence: missense variant.
Genome position (GRCh38, 1-based): chr6:52,069,498, A>G on the plus strand (T>C on the coding strand, the complement: PKHD1 is on the minus strand). VCF-style: chr6-52069498-A-G. GRCh37 (hg19) VCF-style: chr6-51934296-A-G.
Other names: c.737T>C, p.Ile246Thr (NM_170724.3); short protein forms I246T.
Identifiers: ClinVar variation 551992 (VCV000551992.13), dbSNP rs1037991711, ClinGen allele CA138921720.

ClinVar aggregate classification (germline): Pathogenic/Likely pathogenic. Review status: criteria provided, multiple submitters, no conflicts (2 of 4 stars). 4 submissions from 4 submitters: Pathogenic (1); Likely pathogenic (2). 1 of the submissions does not count toward it. Last evaluated 2026-01-20.

Conditions:
PKHD1-related disorder. Also called: PKHD1-related condition.
Autosomal recessive polycystic kidney disease (ARPKD). Also called: AR polycystic kidney disease. Identifiers: Orphanet 731, Orphanet 8378, MedGen C0085548, MeSH D017044, MONDO:0009889.
Polycystic kidney disease 4 (PKD4). Also called: Autosomal Recessive Polycystic Kidney Disease – PKHD1; PKD3; POLYCYSTIC KIDNEY DISEASE 4 WITH OR WITHOUT POLYCYSTIC LIVER DISEASE; POLYCYSTIC KIDNEY AND HEPATIC DISEASE 1; POLYCYSTIC KIDNEY DISEASE, INFANTILE, TYPE I. Identifiers: MedGen C4540575, MONDO:0033004, OMIM 263200.

gnomAD v4.1: 1 of 1,613,628 alleles (0.000062%); highest among the groups gnomAD compares: Non-Finnish European, 0.000085%; no homozygotes.

Submissions (4):

Natera, Inc.
Classification: Likely pathogenic for Autosomal recessive polycystic kidney disease. Last evaluated: 2026-01-20. Review status: criteria provided, single submitter. Criteria: Natera Variant Classification Schema (03/2026). Collection method: clinical testing. Allele origin: germline.
Comment: The c.737T>C variant in PKHD1 is a missense variant predicted to cause substitution of isoleucine to threonine at amino acid 246. This variant is rare in the general population with a frequency below the threshold expected for the associated phenotype(s). This variant has been observed in one or more individuals affected with the associated recessive disease, as either homozygous or compound heterozygous with a second variant (PMID: 38839463, 19914852, 24162162, 30650191). Computational prediction algorithms indicate this variant is likely to affect gene or protein function. Given the available evidence, this variant is classified as Likely Pathogenic.

PreventionGenetics, part of Exact Sciences
Classification: Likely pathogenic for PKHD1-related condition. Last evaluated: 2025-09-12. Review status: criteria provided, single submitter. Criteria: ACMG Guidelines, 2015. Collection method: clinical testing. Allele origin: germline.
Comment: The PKHD1 c.737T>C variant is predicted to result in the amino acid substitution p.Ile246Thr. This variant has been reported in the compound heterozygous state with another PKHD1 loss-of-function variant in individuals with polycystic kidney disease (Gunay-Aygun et al. 2010. PubMed ID: 19914852; Shuster et al. 2019. PubMed ID: 30650191). In addition, we have observed this variant with another PKHD1 loss-of-function variant in patients tested for polycystic kidney disease (PreventionGenetics, internal data). This variant has not been reported in a large population database (gnomAD), indicating this variant is rare. This variant is interpreted as likely pathogenic.

Labcorp Genetics (formerly Invitae), Labcorp
Classification: Pathogenic for Autosomal recessive polycystic kidney disease. Last evaluated: 2024-01-11. Review status: criteria provided, single submitter. Criteria: Invitae Variant Classification Sherloc (09022015). Collection method: clinical testing. Allele origin: germline.
Comment: This sequence change replaces isoleucine, which is neutral and non-polar, with threonine, which is neutral and polar, at codon 246 of the PKHD1 protein (p.Ile246Thr). This variant is not present in population databases (gnomAD no frequency). This missense change has been observed in individual(s) with polycystic kidney disease (PMID: 19914852, 24162162). In at least one individual the data is consistent with being in trans (on the opposite chromosome) from a pathogenic variant. ClinVar contains an entry for this variant (Variation ID: 551992). Advanced modeling of protein sequence and biophysical properties (such as structural, functional, and spatial information, amino acid conservation, physicochemical variation, residue mobility, and thermodynamic stability) performed at Invitae indicates that this missense variant is expected to disrupt PKHD1 protein function with a positive predictive value of 80%. For these reasons, this variant has been classified as Pathogenic.

Counsyl
Classification: Uncertain significance for Polycystic kidney disease 4. Last evaluated: 2017-05-12. Review status: no assertion criteria provided. Collection method: clinical testing. Allele origin: unknown. Not counted in ClinVar's aggregate classification.

Literature cited by the submitters: PubMed 38839463 (cited by Natera, Inc.); PubMed 19914852 (cited by 3 submitters); PubMed 24162162 (cited by 3 submitters); PubMed 30650191 (cited by Natera, Inc.).